The following is an entry in ClinVar:

NM_001371395.1(USP53):c.1649T>A (p.Val550Asp)

Gene: USP53 (ubiquitin specific peptidase 53; plus strand). Cytogenetic location: 4q26.
Variant type: single nucleotide variant.
Coding change: c.1649T>A on transcript NM_001371395.1 (MANE Select); coding-DNA position 1649, T replaced by A.
Protein change: p.Val550Asp; replaces valine 550 with aspartic acid.
Molecular consequence: missense variant.
Genome position (GRCh38, 1-based): chr4:119,271,509, T>A. VCF-style: chr4-119271509-T-A. GRCh37 (hg19) VCF-style: chr4-120192664-T-A.
Other names: c.1496T>A, p.Val499Asp (NM_001371396.1, NM_001389661.1); c.1649T>A, p.Val550Asp (NM_001371397.1, NM_001371398.1, NM_001371399.1 and 3 more transcripts); c.1499T>A, p.Val500Asp (NM_001389660.1); c.1301T>A, p.Val434Asp (NM_001389662.1, NM_001389663.1, NM_001389664.1 and 1 more transcripts); c.1148T>A, p.Val383Asp (NM_001389665.1, NM_001389667.1); short protein forms V383D, V550D, V499D, V500D, V434D.
Identifiers: ClinVar variation 3467245 (VCV003467245.4).
Genomic context (GRCh38, chr4:119,271,509, plus strand): 5'-AAATAATAAGTTCAAGTAAATCCCAGATTCTTGCTCCAGGAGAGAAAATAACTGGCAAAG[T>A]TAAGAGTGACAATGGCACTGGATATGACACAGACAGCAGCCAAGATTCTAGGGATAGAGG-3'
Protein context (NP_001358324.1, residues 540-560): LAPGEKITGK[Val550Asp]KSDNGTGYDT

ClinVar aggregate classification (germline): Conflicting classifications of pathogenicity. Review status: criteria provided, conflicting classifications (1 of 4 stars). 3 submissions from 3 submitters: Uncertain significance (1); Likely benign (2). Last evaluated 2026-05-10.

Conditions:
USP53-related disorder. Also called: USP53-related condition.
Inborn genetic diseases. Identifiers: MedGen C0950123, MeSH D030342.

gnomAD v4.1: 362 of 1,613,454 alleles (0.022%); highest among the groups gnomAD compares: African/African-American, 0.43%; 1 homozygote.

Submissions (3):

PreventionGenetics, part of Exact Sciences
Classification: Likely benign for USP53-related condition. Last evaluated: 2026-05-10. Review status: criteria provided, single submitter. Criteria: ACMG Guidelines, 2015. Collection method: clinical testing. Allele origin: germline.
Comment: This variant is classified as likely benign based on ACMG/AMP sequence variant interpretation guidelines (Richards et al. 2015 PMID: 25741868, with internal and published modifications).

Labcorp Genetics (formerly Invitae), Labcorp
Classification: Likely benign. Last evaluated: 2025-09-15. Review status: criteria provided, single submitter. Criteria: Invitae Variant Classification Sherloc (09022015). Collection method: clinical testing. Allele origin: germline.

Ambry Genetics
Classification: Uncertain significance for Inborn genetic diseases. Last evaluated: 2024-12-10. Review status: criteria provided, single submitter. Criteria: Ambry Variant Classification Scheme 2023. Collection method: clinical testing. Allele origin: germline.